The following is an entry in ClinVar:

ClinVar aggregate classification (germline): Uncertain significance (1 of 4 stars; one submission).

Submission:

Ambry Genetics
Classification: Uncertain significance. Last evaluated: 2022-05-20. Review status: criteria provided, single submitter. Criteria: Ambry Variant Classification Scheme 2023. Collection method: clinical testing. Allele origin: germline.
Comment: The p.V411I variant (also known as c.1231G>A), located in coding exon 11 of the RAD54L gene, results from a G to A substitution at nucleotide position 1231. The valine at codon 411 is replaced by isoleucine, an amino acid with highly similar properties. This amino acid position is conserved. In addition, the in silico prediction for this alteration is inconclusive. Since supporting evidence is limited at this time, the clinical significance of this alteration remains unclear.

NM_003579.4(RAD54L):c.1231G>A (p.Val411Ile)

Gene: RAD54L (RAD54 like; plus strand). Cytogenetic location: 1p34.1.
Variant type: single nucleotide variant.
Coding change: c.1231G>A on transcript NM_003579.4 (MANE Select); coding-DNA position 1231, G replaced by A.
Protein change: p.Val411Ile; replaces valine 411 with isoleucine.
Molecular consequence: missense variant.
Genome position (GRCh38, 1-based): chr1:46,272,527, G>A. VCF-style: chr1-46272527-G-A. GRCh37 (hg19) VCF-style: chr1-46738199-G-A.
Other names: c.1231G>A, p.Val411Ile (NM_001142548.2); c.691G>A, p.Val231Ile (NM_001370766.1); short protein forms V231I, V411I.
Identifiers: ClinVar variation 1755681 (VCV001755681.2), dbSNP rs759610527, ClinGen allele CA340178827.